The following is an entry in ClinVar:

ClinVar aggregate classification (germline): Uncertain significance (1 of 4 stars; one submission).

Conditions:
Immunodeficiency 18 (IMD18). Also called: CD3epsilon deficiency; CD3-EPSILON DEFICIENCY. Identifiers: MedGen C3810127, MONDO:0014278, OMIM 615615.

Submission:

Labcorp Genetics (formerly Invitae), Labcorp
Classification: Uncertain significance for Immunodeficiency 18. Last evaluated: 2022-03-07. Review status: criteria provided, single submitter. Criteria: Invitae Variant Classification Sherloc (09022015). Collection method: clinical testing. Allele origin: germline.
Comment: This variant has not been reported in the literature in individuals affected with CD3E-related conditions. Algorithms developed to predict the effect of missense changes on protein structure and function are either unavailable or do not agree on the potential impact of this missense change (SIFT: "Deleterious"; PolyPhen-2: "Benign"; Align-GVGD: "Class C0"). In summary, the available evidence is currently insufficient to determine the role of this variant in disease. Therefore, it has been classified as a Variant of Uncertain Significance. This variant is not present in population databases (gnomAD no frequency). This sequence change replaces glycine, which is neutral and non-polar, with arginine, which is basic and polar, at codon 142 of the CD3E protein (p.Gly142Arg).

NM_000733.4(CD3E):c.424G>C (p.Gly142Arg)

Gene: CD3E (CD3 epsilon subunit of T-cell receptor complex; plus strand). Cytogenetic location: 11q23.3.
Variant type: single nucleotide variant.
Coding change: c.424G>C on transcript NM_000733.4 (MANE Select); coding-DNA position 424, G replaced by C.
Protein change: p.Gly142Arg; replaces glycine 142 with arginine.
Molecular consequence: missense variant.
Genome position (GRCh38, 1-based): chr11:118,313,778, G>C. VCF-style: chr11-118313778-G-C. GRCh37 (hg19) VCF-style: chr11-118184493-G-C.
Other names: short protein forms G142R.
Identifiers: ClinVar variation 1487121 (VCV001487121.6), dbSNP rs2134767860, ClinGen allele CA382783965.
Genomic context (GRCh38, chr11:118,313,778, plus strand): 5'-TGCATGGAGATGGATGTGATGTCGGTGGCCACAATTGTCATAGTGGACATCTGCATCACT[G>C]GGGGCTTGCTGCTGCTGGTTTACTACTGGAGCAAGAATAGAAAGGCCAAGGCCAAGCCTG-3'
Protein context (NP_000724.1, residues 132-152): TIVIVDICIT[Gly142Arg]GLLLLVYYWS